The following is an entry in ClinVar:

NM_032229.3(SLITRK6):c.1118A>G (p.Asn373Ser)

Gene: SLITRK6 (SLIT and NTRK like family member 6; minus strand). Cytogenetic location: 13q31.1.
Variant type: single nucleotide variant.
Coding change: c.1118A>G on transcript NM_032229.3 (MANE Select); coding-DNA position 1118, A replaced by G.
Protein change: p.Asn373Ser; replaces asparagine 373 with serine.
Molecular consequence: missense variant.
Genome position (GRCh38, 1-based): chr13:85,795,391, T>C on the plus strand (A>G on the coding strand, the complement: SLITRK6 is on the minus strand). VCF-style: chr13-85795391-T-C. GRCh37 (hg19) VCF-style: chr13-86369526-T-C.
Other names: c.1118A>G (NM_032229.2); short protein forms N373S.
Identifiers: ClinVar variation 2044863 (VCV002044863.3), dbSNP rs370189442, ClinGen allele CA7015158.
Genomic context (GRCh38, chr13:85,795,391, plus strand): 5'-TGAAGCATTTCCAAAGTGAAATATTCCACTAGATCAGACTTCATTAAACTGTGAATAATA[T>C]TTCCCGCTAGAATGAGCTTTCTAGGATTTTGCGGAGGAGGTCTCAGATCTGATAAGCTTT-3'
Protein context (NP_115605.2, residues 363-383): QNPRKLILAG[Asn373Ser]IIHSLMKSDL

ClinVar aggregate classification (germline): Uncertain significance. Review status: criteria provided, multiple submitters, no conflicts (2 of 4 stars). 2 submissions from 2 submitters: Uncertain significance (2). Last evaluated 2025-08-09.

Conditions:
Inborn genetic diseases. Identifiers: MedGen C0950123, MeSH D030342.

Allele frequency attached by ClinVar (database versions not stated): gnomAD 0.00003; gnomAD exomes 0.00003; TOPMed 0.00005; ESP Exome Variant Server 0.00008; ExAC 0.00009.
gnomAD v4.1: 56 of 1,612,682 alleles (0.0035%); highest among the groups gnomAD compares: Admixed American, 0.017%; no homozygotes.

Submissions (2):

Ambry Genetics
Classification: Uncertain significance for Inborn genetic diseases. Last evaluated: 2025-08-09. Review status: criteria provided, single submitter. Criteria: Ambry Variant Classification Scheme 2023. Collection method: clinical testing. Allele origin: germline.

Labcorp Genetics (formerly Invitae), Labcorp
Classification: Uncertain significance. Last evaluated: 2023-10-03. Review status: criteria provided, single submitter. Criteria: Invitae Variant Classification Sherloc (09022015). Collection method: clinical testing. Allele origin: germline.
Comment: This sequence change replaces asparagine, which is neutral and polar, with serine, which is neutral and polar, at codon 373 of the SLITRK6 protein (p.Asn373Ser). This variant is present in population databases (rs370189442, gnomAD 0.03%). This variant has not been reported in the literature in individuals affected with SLITRK6-related conditions. ClinVar contains an entry for this variant (Variation ID: 2044863). An algorithm developed to predict the effect of missense changes on protein structure and function (PolyPhen-2) suggests that this variant is likely to be disruptive. In summary, the available evidence is currently insufficient to determine the role of this variant in disease. Therefore, it has been classified as a Variant of Uncertain Significance.